The following is an entry in ClinVar:

ClinVar aggregate classification (germline): Uncertain significance (1 of 4 stars; one submission).

gnomAD v4.1: 1 of 1,566,204 alleles (0.000064%); highest among the groups gnomAD compares: Non-Finnish European, 0.000086%; no homozygotes.

Submission:

Labcorp Genetics (formerly Invitae), Labcorp
Classification: Uncertain significance. Last evaluated: 2022-05-07. Review status: criteria provided, single submitter. Criteria: Invitae Variant Classification Sherloc (09022015). Collection method: clinical testing. Allele origin: germline.
Comment: Algorithms developed to predict the effect of missense changes on protein structure and function are either unavailable or do not agree on the potential impact of this missense change (SIFT: "Deleterious"; PolyPhen-2: "Possibly Damaging"; Align-GVGD: "Class C0"). This variant has not been reported in the literature in individuals affected with DLL3-related conditions. This variant is not present in population databases (gnomAD no frequency). This sequence change replaces alanine, which is neutral and non-polar, with glutamic acid, which is acidic and polar, at codon 85 of the DLL3 protein (p.Ala85Glu). In summary, the available evidence is currently insufficient to determine the role of this variant in disease. Therefore, it has been classified as a Variant of Uncertain Significance.

NM_203486.3(DLL3):c.254C>A (p.Ala85Glu)

Gene: DLL3 (delta like canonical Notch ligand 3; plus strand). Cytogenetic location: 19q13.2.
Variant type: single nucleotide variant.
Coding change: c.254C>A on transcript NM_203486.3 (MANE Select); coding-DNA position 254, C replaced by A.
Protein change: p.Ala85Glu; replaces alanine 85 with glutamic acid.
Molecular consequence: missense variant.
Genome position (GRCh38, 1-based): chr19:39,499,376, C>A. VCF-style: chr19-39499376-C-A. GRCh37 (hg19) VCF-style: chr19-39990016-C-A.
Other names: c.254C>A, p.Ala85Glu (NM_016941.4); short protein forms A85E.
Identifiers: ClinVar variation 1972439 (VCV001972439.5), dbSNP rs769017873, ClinGen allele CA405793911.